The following is an entry in ClinVar:

NM_000492.4(CFTR):c.2578A>G (p.Ile860Val)

Gene: CFTR (CF transmembrane conductance regulator; plus strand). Cytogenetic location: 7q31.2.
Variant type: single nucleotide variant.
Coding change: c.2578A>G on transcript NM_000492.4 (MANE Select); coding-DNA position 2578, A replaced by G.
Protein change: p.Ile860Val; replaces isoleucine 860 with valine.
Molecular consequence: missense variant.
Genome position (GRCh38, 1-based): chr7:117,595,017, A>G. VCF-style: chr7-117595017-A-G. GRCh37 (hg19) VCF-style: chr7-117235071-A-G.
Other names: short protein forms I860V.
Identifiers: ClinVar variation 1793331 (VCV001793331.3), dbSNP rs2485113944, ClinGen allele CA368983995.
Genomic context (GRCh38, chr7:117,595,017, plus strand): 5'-ATACCAGCAGTGACTACATGGAACACATACCTTCGATATATTACTGTCCACAAGAGCTTA[A>G]TTTTTGTGCTAATTTGGTGCTTAGTAATTTTTCTGGCAGAGGTAAGAATGTTCTATTGTA-3'
Protein context (NP_000483.3, residues 850-870): LRYITVHKSL[Ile860Val]FVLIWCLVIF

ClinVar aggregate classification (germline): Uncertain significance (1 of 4 stars; one submission).

Conditions:
Cystic fibrosis (CF). Also called: MUCOVISCIDOSIS. Identifiers: Orphanet 586, MedGen C0010674, MONDO:0009061, OMIM 219700. Disease mechanism: loss of function.

Submission:

Ambry Genetics
Classification: Uncertain significance for Cystic fibrosis. Last evaluated: 2024-11-02. Review status: criteria provided, single submitter. Criteria: Ambry Variant Classification Scheme 2023. Collection method: clinical testing. Allele origin: germline.
Comment: The p.I860V variant (also known as c.2578A>G), located in coding exon 15 of the CFTR gene, results from an A to G substitution at nucleotide position 2578. The isoleucine at codon 860 is replaced by valine, an amino acid with highly similar properties. This amino acid position is conserved. In addition, this alteration is predicted to be tolerated by in silico analysis. Since supporting evidence is limited at this time, the clinical significance of this alteration remains unclear.